The following is an entry in ClinVar:

ClinVar aggregate classification (germline): Uncertain significance. Review status: criteria provided, multiple submitters, no conflicts (2 of 4 stars). 2 submissions from 2 submitters: Uncertain significance (2). Last evaluated 2022-08-19.

Allele frequency attached by ClinVar (database versions not stated): ExAC 0.00001; gnomAD exomes 0.00001 and 0.00003; gnomAD 0.00003 and 0.00004; TOPMed 0.00005.
gnomAD v4.1: 54 of 1,613,982 alleles (0.0033%); highest among the groups gnomAD compares: Non-Finnish European, 0.0043%; no homozygotes.

Submissions (2):

Labcorp Genetics (formerly Invitae), Labcorp
Classification: Uncertain significance. Last evaluated: 2022-08-19. Review status: criteria provided, single submitter. Criteria: Invitae Variant Classification Sherloc (09022015). Collection method: clinical testing. Allele origin: germline.
Comment: This sequence change replaces aspartic acid, which is acidic and polar, with glycine, which is neutral and non-polar, at codon 218 of the CEP63 protein (p.Asp218Gly). This variant is present in population databases (rs200697453, gnomAD 0.002%). This variant has not been reported in the literature in individuals affected with CEP63-related conditions. ClinVar contains an entry for this variant (Variation ID: 434746). Algorithms developed to predict the effect of missense changes on protein structure and function (SIFT, PolyPhen-2, Align-GVGD) all suggest that this variant is likely to be disruptive. In summary, the available evidence is currently insufficient to determine the role of this variant in disease. Therefore, it has been classified as a Variant of Uncertain Significance.

Genetic Services Laboratory, University of Chicago
Classification: Uncertain significance. Last evaluated: 2016-05-19. Review status: criteria provided, single submitter. Criteria: ACMG Guidelines, 2015. Collection method: clinical testing. Allele origin: germline. Affected: no.

NM_001353108.3(CEP63):c.653A>G (p.Asp218Gly)

Gene: CEP63 (centrosomal protein 63; plus strand). Cytogenetic location: 3q22.2.
Variant type: single nucleotide variant.
Coding change: c.653A>G on transcript NM_001353108.3 (MANE Select); coding-DNA position 653, A replaced by G.
Protein change: p.Asp218Gly; replaces aspartic acid 218 with glycine.
Molecular consequence: missense variant. On other transcripts: non-coding transcript variant (4).
Genome position (GRCh38, 1-based): chr3:134,545,683, A>G. VCF-style: chr3-134545683-A-G. GRCh37 (hg19) VCF-style: chr3-134264525-A-G.
Other names: c.653A>G, p.Asp218Gly (NM_001042383.2, NM_001042384.2, NM_001042400.3 and 13 more transcripts); c.680A>G, p.Asp227Gly (NM_001353118.1); c.569A>G, p.Asp190Gly (NM_001353125.2); c.290A>G, p.Asp97Gly (NM_001353126.2); short protein forms D218G, D227G, D190G, D97G.
Identifiers: ClinVar variation 434746 (VCV000434746.8), dbSNP rs200697453, ClinGen allele CA2628448.